The following is an entry in ClinVar:

NM_015046.7(SETX):c.5362T>C (p.Trp1788Arg)

Gene: SETX (senataxin; minus strand). Cytogenetic location: 9q34.13.
Variant type: single nucleotide variant.
Coding change: c.5362T>C on transcript NM_015046.7 (MANE Select); coding-DNA position 5362, T replaced by C.
Protein change: p.Trp1788Arg; replaces tryptophan 1788 with arginine.
Molecular consequence: missense variant.
Genome position (GRCh38, 1-based): chr9:132,311,769, A>G on the plus strand (T>C on the coding strand, the complement: SETX is on the minus strand). VCF-style: chr9-132311769-A-G. GRCh37 (hg19) VCF-style: chr9-135187156-A-G.
Other names: c.5362T>C, p.Trp1788Arg (NM_001351527.2, NM_001351528.2); short protein forms W1788R.
Identifiers: ClinVar variation 2057578 (VCV002057578.4), dbSNP rs1178125929, ClinGen allele CA375320057.

ClinVar aggregate classification (germline): Uncertain significance (1 of 4 stars; one submission).

Conditions:
Spinocerebellar ataxia, autosomal recessive, with axonal neuropathy 2 (SCAN2). Also called: Ataxia with Oculomotor Apraxia; Ataxia with Oculomotor Apraxia Type 2; ATAXIA-OCULOMOTOR APRAXIA 2; Ataxia-ocular apraxia-2. Identifiers: Orphanet 64753, MedGen C1853761, MONDO:0018996, OMIM 606002.
Amyotrophic lateral sclerosis type 4 (ALS4). Also called: NEURONOPATHY, DISTAL HEREDITARY MOTOR, WITH PYRAMIDAL FEATURES; AMYOTROPHIC LATERAL SCLEROSIS 4, JUVENILE. Identifiers: Orphanet 357043, MedGen C1865409, MONDO:0011223, OMIM 602433.

gnomAD v4.1: 2 of 1,611,582 alleles (0.00012%); highest among the groups gnomAD compares: Non-Finnish European, 0.00017%; no homozygotes.

Submission:

Labcorp Genetics (formerly Invitae), Labcorp
Classification: Uncertain significance for Amyotrophic lateral sclerosis type 4; Spinocerebellar ataxia, autosomal recessive, with axonal neuropathy 2. Last evaluated: 2022-10-03. Review status: criteria provided, single submitter. Criteria: Invitae Variant Classification Sherloc (09022015). Collection method: clinical testing. Allele origin: germline.
Comment: In summary, the available evidence is currently insufficient to determine the role of this variant in disease. Therefore, it has been classified as a Variant of Uncertain Significance. Advanced modeling of protein sequence and biophysical properties (such as structural, functional, and spatial information, amino acid conservation, physicochemical variation, residue mobility, and thermodynamic stability) performed at Invitae indicates that this missense variant is not expected to disrupt SETX protein function. This variant has not been reported in the literature in individuals affected with SETX-related conditions. This variant is not present in population databases (gnomAD no frequency). This sequence change replaces tryptophan, which is neutral and slightly polar, with arginine, which is basic and polar, at codon 1788 of the SETX protein (p.Trp1788Arg).